The following is an entry in ClinVar:

NM_012463.4(ATP6V0A2):c.2149G>A (p.Gly717Arg)

Gene: ATP6V0A2 (ATPase H+ transporting V0 subunit a2; plus strand). Cytogenetic location: 12q24.31.
Variant type: single nucleotide variant.
Coding change: c.2149G>A on transcript NM_012463.4 (MANE Select); coding-DNA position 2149, G replaced by A.
Protein change: p.Gly717Arg; replaces glycine 717 with arginine.
Molecular consequence: missense variant.
Genome position (GRCh38, 1-based): chr12:123,752,376, G>A. VCF-style: chr12-123752376-G-A. GRCh37 (hg19) VCF-style: chr12-124236923-G-A.
Other names: short protein forms G717R.
Identifiers: ClinVar variation 4682059 (VCV004682059.5).

ClinVar aggregate classification (germline): Uncertain significance (1 of 4 stars; one submission).

gnomAD v4.1: 4 of 1,614,112 alleles (0.00025%); highest among the groups gnomAD compares: Admixed American, 0.005%; no homozygotes.

Submission:

CeGaT Center for Human Genetics Tuebingen
Classification: Uncertain significance. Last evaluated: 2025-12-01. Review status: criteria provided, single submitter. Criteria: CeGaT Center For Human Genetics Tuebingen Variant Classification Criteria Version 2. Collection method: clinical testing. Allele origin: germline. Affected: yes. Observed: 1 variant allele.
Comment: ATP6V0A2: PM2